The following is an entry in ClinVar:

NM_001312909.2(FAM111A):c.1412T>C (p.Ile471Thr)

Gene: FAM111A (FAM111 trypsin like peptidase A; plus strand). Cytogenetic location: 11q12.1.
Variant type: single nucleotide variant.
Coding change: c.1412T>C on transcript NM_001312909.2 (MANE Select); coding-DNA position 1412, T replaced by C.
Protein change: p.Ile471Thr; replaces isoleucine 471 with threonine.
Molecular consequence: missense variant.
Genome position (GRCh38, 1-based): chr11:59,153,080, T>C. VCF-style: chr11-59153080-T-C. GRCh37 (hg19) VCF-style: chr11-58920553-T-C.
Other names: c.1412T>C, p.Ile471Thr (NM_001142519.3, NM_001142520.3, NM_001142521.3 and 29 more transcripts); short protein forms I471T.
Identifiers: ClinVar variation 4773251 (VCV004773251.1).

ClinVar aggregate classification (germline): Uncertain significance (1 of 4 stars; one submission).

Submission:

Labcorp Genetics (formerly Invitae), Labcorp
Classification: Uncertain significance. Last evaluated: 2025-12-10. Review status: criteria provided, single submitter. Criteria: Invitae Variant Classification Sherloc (09022015). Collection method: clinical testing. Allele origin: germline.
Comment: This sequence change replaces isoleucine, which is neutral and non-polar, with threonine, which is neutral and polar, at codon 471 of the FAM111A protein (p.Ile471Thr). This variant is not present in population databases (gnomAD no frequency). This variant has not been reported in the literature in individuals affected with FAM111A-related conditions. Invitae Evidence Modeling of protein sequence and biophysical properties (such as structural, functional, and spatial information, amino acid conservation, physicochemical variation, residue mobility, and thermodynamic stability) indicates that this missense variant is expected to disrupt FAM111A protein function with a positive predictive value of 80%. In summary, the available evidence is currently insufficient to determine the role of this variant in disease. Therefore, it has been classified as a Variant of Uncertain Significance.